The following is an entry in ClinVar:

NM_001205293.3(CACNA1E):c.1273C>T (p.Arg425Ter)

Gene: CACNA1E (calcium voltage-gated channel subunit alpha1 E; plus strand). Cytogenetic location: 1q25.3.
Variant type: single nucleotide variant.
Coding change: c.1273C>T on transcript NM_001205293.3 (MANE Select); coding-DNA position 1273, C replaced by T.
Protein change: p.Arg425Ter; replaces arginine 425 with a stop codon.
Molecular consequence: nonsense.
Genome position (GRCh38, 1-based): chr1:181,716,087, C>T. VCF-style: chr1-181716087-C-T. GRCh37 (hg19) VCF-style: chr1-181685223-C-T.
Other names: c.1273C>T, p.Arg425Ter (NM_000721.4, NM_001205294.2); short protein forms R425*.
Identifiers: ClinVar variation 4868074 (VCV004868074.1).

ClinVar aggregate classification (germline): Pathogenic (1 of 4 stars; one submission).

Conditions:
Inborn genetic diseases. Identifiers: MedGen C0950123, MeSH D030342.

gnomAD v4.1: 2 of 1,573,466 alleles (0.00013%); highest among the groups gnomAD compares: East Asian, 0.0023%; no homozygotes.

Submission:

Ambry Genetics
Classification: Pathogenic for Inborn genetic diseases. Last evaluated: 2026-05-08. Review status: criteria provided, single submitter. Criteria: Ambry Variant Classification Scheme 2023. Collection method: clinical testing. Allele origin: germline.
Comment: The c.1273C>T (p.R425*) alteration, located in coding exon 10 of the CACNA1E gene, consists of a C to T substitution at nucleotide position 1273. This changes the amino acid from an arginine (R) to a stop codon at amino acid position 425. This alteration is expected to result in loss of function by premature protein truncation or nonsense-mediated mRNA decay. for CACNA1E-related neurodevelopmental disorder; however, its clinical significance for CACNA1E-related developmental and epileptic encephalopathy is uncertain. This variant was not reported in population-based cohorts in the Genome Aggregation Database (gnomAD). Based on the available evidence, this alteration is classified as pathogenic.